The following is an entry in ClinVar:

NM_001374736.1(DST):c.4390C>T (p.Arg1464Trp)

Gene: DST (dystonin; minus strand). Cytogenetic location: 6p12.1.
Variant type: single nucleotide variant.
Coding change: c.4390C>T on transcript NM_001374736.1 (MANE Select); coding-DNA position 4390, C replaced by T.
Protein change: p.Arg1464Trp; replaces arginine 1464 with tryptophan.
Molecular consequence: missense variant.
Genome position (GRCh38, 1-based): chr6:56,629,335, G>A on the plus strand (C>T on the coding strand, the complement: DST is on the minus strand). VCF-style: chr6-56629335-G-A. GRCh37 (hg19) VCF-style: chr6-56494133-G-A.
Other names: c.4291C>T, p.Arg1431Trp (NM_001144769.5); c.3877C>T, p.Arg1293Trp (NM_001144770.2); c.4390C>T, p.Arg1464Trp (NM_001374722.1); c.3757C>T, p.Arg1253Trp (NM_001374729.1, NM_001374730.1, NM_001386100.1 and 1 more transcripts); c.4417C>T, p.Arg1473Trp (NM_001374734.1); c.2779C>T, p.Arg927Trp (NM_001723.7, NM_015548.5); short protein forms R927W, R1253W, R1431W, R1293W, R1464W, R1473W.
Identifiers: ClinVar variation 357597 (VCV000357597.22), dbSNP rs200316560, ClinGen allele CA3870914.
Genomic context (GRCh38, chr6:56,629,335, plus strand): 5'-TTTGCCACCTTTCAACTAATTGATCTGCTTTTTCTTTGTGCCAGTCAAAATCAAGGTCCC[G>A]TTCTTTATACGTTTTAAACATTTCATCACTGATGGCTTTAGCTTTCTGCAACTCATCCTC-3'
Protein context (NP_001361665.1, residues 1454-1474): SDEMFKTYKE[Arg1464Trp]DLDFDWHKEK

ClinVar aggregate classification (germline): Uncertain significance. Review status: criteria provided, multiple submitters, no conflicts (2 of 4 stars). 6 submissions from 6 submitters: Uncertain significance (6). Last evaluated 2026-08-07.

Conditions:
DST-related disorder. Also called: DST-related disorders; DST-related condition.
Inborn genetic diseases. Identifiers: MedGen C0950123, MeSH D030342.
Epidermolysis bullosa simplex 3, localized or generalized intermediate, with BP230 deficiency (EBS3). Also called: Epidermolysis bullosa simplex due to BP230 deficiency; Epidermolysis bullosa simplex, autosomal recessive 2. Identifiers: Orphanet 412181, MedGen C3809470, MONDO:0014180, OMIM 615425.
Hereditary sensory and autonomic neuropathy type 6. Also called: HSAN VI; Neuropathy, hereditary sensory and autonomic, type VI. Identifiers: Orphanet 314381, MedGen C3539003, MONDO:0013839, OMIM 614653.

Allele frequency attached by ClinVar (database versions not stated): ExAC 0.00003; gnomAD exomes 0.00004 and 0.00021; ESP Exome Variant Server 0.00008; TOPMed 0.00008; gnomAD 0.00010.
gnomAD v4.1: 311 of 1,613,600 alleles (0.019%); highest among the groups gnomAD compares: Non-Finnish European, 0.025%; no homozygotes.

Submissions (6):

GeneDx
Classification: Uncertain significance. Last evaluated: 2026-08-07. Review status: criteria provided, single submitter. Criteria: GeneDx Variant Classification Process June 2021. Collection method: clinical testing. Allele origin: germline.
Comment: In silico analysis supports that this missense variant has a deleterious effect on protein structure/function; Has not been previously published as pathogenic or benign to our knowledge; Reported using the transcript encoding the epithelial isoform of the gene.

PreventionGenetics, part of Exact Sciences
Classification: Uncertain significance for DST-related condition. Last evaluated: 2026-04-18. Review status: criteria provided, single submitter. Criteria: ACMG Guidelines, 2015. Collection method: clinical testing. Allele origin: germline.
Comment: The DST c.2779C>T variant is predicted to result in the amino acid substitution p.Arg927Trp. To our knowledge, this variant has not been reported in the literature. This variant is reported in 0.0080% of alleles in individuals of African descent in gnomAD. At this time, the clinical significance of this variant is uncertain due to the absence of conclusive functional and genetic evidence.

Labcorp Genetics (formerly Invitae), Labcorp
Classification: Uncertain significance for Epidermolysis bullosa simplex 3, localized or generalized intermediate, with BP230 deficiency; Hereditary sensory and autonomic neuropathy type 6. Last evaluated: 2024-11-18. Review status: criteria provided, single submitter. Criteria: Invitae Variant Classification Sherloc (09022015). Collection method: clinical testing. Allele origin: germline.
Comment: This sequence change replaces arginine, which is basic and polar, with tryptophan, which is neutral and slightly polar, at codon 927 of the DST protein (p.Arg927Trp). This variant is present in population databases (rs200316560, gnomAD 0.008%). This variant has not been reported in the literature in individuals affected with DST-related conditions. ClinVar contains an entry for this variant (Variation ID: 357597). An algorithm developed to predict the effect of missense changes on protein structure and function (PolyPhen-2) suggests that this variant is likely to be disruptive. In summary, the available evidence is currently insufficient to determine the role of this variant in disease. Therefore, it has been classified as a Variant of Uncertain Significance.

Blueprint Genetics
Classification: Uncertain significance. Last evaluated: 2023-10-06. Review status: criteria provided, single submitter. Criteria: ACMG Guidelines, 2015. Collection method: clinical testing. Allele origin: germline.

Ambry Genetics
Classification: Uncertain significance for Inborn genetic diseases. Last evaluated: 2020-10-13. Review status: criteria provided, single submitter. Criteria: Ambry Variant Classification Scheme 2023. Collection method: clinical testing. Allele origin: germline.
Comment: The p.R1431W variant (also known as c.4291C>T), located in coding exon 31 of the DST gene, results from a C to T substitution at nucleotide position 4291. The arginine at codon 1431 is replaced by tryptophan, an amino acid with dissimilar properties. This amino acid position is highly conserved in available vertebrate species. In addition, this alteration is predicted to be deleterious by in silico analysis. Since supporting evidence is limited at this time, the clinical significance of this alteration remains unclear.

Mayo Clinic Laboratories, Mayo Clinic
Classification: Uncertain significance. Last evaluated: 2020-01-09. Review status: criteria provided, single submitter. Criteria: ACMG Guidelines, 2015. Collection method: clinical testing. Allele origin: germline. Observed: 1 variant allele.